The following is an entry in ClinVar:

ClinVar aggregate classification (germline): Uncertain significance. Review status: criteria provided, multiple submitters, no conflicts (2 of 4 stars). 2 submissions from 2 submitters: Uncertain significance (2). Last evaluated 2025-11-08.

Conditions:
Inborn genetic diseases. Identifiers: MedGen C0950123, MeSH D030342.
Baller-Gerold syndrome (BGS). Also called: CRANIOSYNOSTOSIS WITH RADIAL DEFECTS. Identifiers: Orphanet 1225, MedGen C0265308, MONDO:0009039, OMIM 218600.

Allele frequency attached by ClinVar (database versions not stated): ExAC 0.00001; gnomAD exomes 0.00001; TOPMed 0.00001.
gnomAD v4.1: 26 of 1,610,244 alleles (0.0016%); highest among the groups gnomAD compares: Non-Finnish European, 0.0021%; no homozygotes.

Submissions (2):

Ambry Genetics
Classification: Uncertain significance for Inborn genetic diseases. Last evaluated: 2025-11-08. Review status: criteria provided, single submitter. Criteria: Ambry Variant Classification Scheme 2023. Collection method: clinical testing. Allele origin: germline.

Labcorp Genetics (formerly Invitae), Labcorp
Classification: Uncertain significance for Baller-Gerold syndrome. Last evaluated: 2025-08-30. Review status: criteria provided, single submitter. Criteria: Invitae Variant Classification Sherloc (09022015). Collection method: clinical testing. Allele origin: germline.
Comment: This sequence change replaces valine, which is neutral and non-polar, with leucine, which is neutral and non-polar, at codon 249 of the RECQL4 protein (p.Val249Leu). This variant is present in population databases (rs756397882, gnomAD 0.002%). This variant has not been reported in the literature in individuals affected with RECQL4-related conditions. ClinVar contains an entry for this variant (Variation ID: 569624). Invitae Evidence Modeling of protein sequence and biophysical properties (such as structural, functional, and spatial information, amino acid conservation, physicochemical variation, residue mobility, and thermodynamic stability) indicates that this missense variant is not expected to disrupt RECQL4 protein function with a negative predictive value of 80%. In summary, the available evidence is currently insufficient to determine the role of this variant in disease. Therefore, it has been classified as a Variant of Uncertain Significance.

NM_004260.4(RECQL4):c.745G>T (p.Val249Leu)

Gene: RECQL4 (RecQ like helicase 4; minus strand). Cytogenetic location: 8q24.3.
Variant type: single nucleotide variant.
Coding change: c.745G>T on transcript NM_004260.4 (MANE Select); coding-DNA position 745, G replaced by T.
Protein change: p.Val249Leu; replaces valine 249 with leucine.
Molecular consequence: missense variant.
Genome position (GRCh38, 1-based): chr8:144,516,374, C>A on the plus strand (G>T on the coding strand, the complement: RECQL4 is on the minus strand). VCF-style: chr8-144516374-C-A. GRCh37 (hg19) VCF-style: chr8-145741758-C-A.
Other names: short protein forms V249L.
Identifiers: ClinVar variation 569624 (VCV000569624.9), dbSNP rs756397882, ClinGen allele CA4949190.
Genomic context (GRCh38, chr8:144,516,374, plus strand): 5'-AGGGCTCCTCGTTCCATCTCCGCTTCTCGCCTCCACTGCTGCTGGGCTGGGGGCTCCCCA[C>A]ACGGATGCTGACTTCTTGGAAGGCTGAAGCCTCTGGGCCCTGGGAGCCAGCACCAGGACC-3'
Protein context (NP_004251.4, residues 239-259): ASAFQEVSIR[Val249Leu]GSPQPSSSGG